The following is an entry in ClinVar:

ClinVar aggregate classification (germline): Uncertain significance (1 of 4 stars; one submission).

Conditions:
Combined immunodeficiency due to LRBA deficiency. Also called: Common variable immunodeficiency 8, with autoimmunity. Identifiers: Orphanet 445018, MedGen C3553512, MONDO:0013863, OMIM 614700.

Allele frequency attached by ClinVar (database versions not stated): gnomAD exomes below 0.00001; TOPMed 0.00001.
gnomAD v4.1: 1 of 1,609,356 alleles (0.000062%); highest among the groups gnomAD compares: Admixed American, 0.0017%; no homozygotes.

Submission:

Labcorp Genetics (formerly Invitae), Labcorp
Classification: Uncertain significance for Combined immunodeficiency due to LRBA deficiency. Last evaluated: 2023-08-04. Review status: criteria provided, single submitter. Criteria: Invitae Variant Classification Sherloc (09022015). Collection method: clinical testing. Allele origin: germline.
Comment: In summary, the available evidence is currently insufficient to determine the role of this variant in disease. Therefore, it has been classified as a Variant of Uncertain Significance. Advanced modeling of protein sequence and biophysical properties (such as structural, functional, and spatial information, amino acid conservation, physicochemical variation, residue mobility, and thermodynamic stability) performed at Invitae indicates that this missense variant is not expected to disrupt LRBA protein function. ClinVar contains an entry for this variant (Variation ID: 1513757). This variant has not been reported in the literature in individuals affected with LRBA-related conditions. This variant is present in population databases (no rsID available, gnomAD 0.003%). This sequence change replaces valine, which is neutral and non-polar, with phenylalanine, which is neutral and non-polar, at codon 943 of the LRBA protein (p.Val943Phe).

NM_001364905.1(LRBA):c.2827G>T (p.Val943Phe)

Gene: LRBA (LPS responsive beige-like anchor protein; minus strand). Cytogenetic location: 4q31.3.
Variant type: single nucleotide variant.
Coding change: c.2827G>T on transcript NM_001364905.1 (MANE Select); coding-DNA position 2827, G replaced by T.
Protein change: p.Val943Phe; replaces valine 943 with phenylalanine.
Molecular consequence: missense variant.
Genome position (GRCh38, 1-based): chr4:150,852,883, C>A on the plus strand (G>T on the coding strand, the complement: LRBA is on the minus strand). VCF-style: chr4-150852883-C-A. GRCh37 (hg19) VCF-style: chr4-151774035-C-A.
Other names: c.2827G>T, p.Val943Phe (NM_001199282.3, NM_001367550.1, NM_006726.5); short protein forms V943F.
Identifiers: ClinVar variation 1513757 (VCV001513757.4), dbSNP rs1319860043, ClinGen allele CA358460447.